The following is an entry in ClinVar:

NM_003906.5(MCM3AP):c.4002-3C>T

Gene: MCM3AP (minichromosome maintenance complex component 3 associated protein; minus strand). Cytogenetic location: 21q22.3.
Variant type: single nucleotide variant.
Coding change: c.4002-3C>T on transcript NM_003906.5 (MANE Select); 3 bases into the intron before coding-DNA position 4002, C replaced by T.
Molecular consequence: intron variant.
Genome position (GRCh38, 1-based): chr21:46,254,529, G>A on the plus strand (C>T on the coding strand, the complement: MCM3AP is on the minus strand). VCF-style: chr21-46254529-G-A. GRCh37 (hg19) VCF-style: chr21-47674443-G-A.
Other names: c.4002-3C>T (NM_003906.4).
Identifiers: ClinVar variation 1619520 (VCV001619520.40), dbSNP rs191613196, ClinGen allele CA10076273.

ClinVar aggregate classification (germline): Likely benign. Review status: criteria provided, multiple submitters, no conflicts (2 of 4 stars). 3 submissions from 3 submitters: Likely benign (3). Last evaluated 2026-05-28.

Conditions:
MCM3AP-related disorder. Also called: MCM3AP-related condition.

Allele frequency attached by ClinVar (database versions not stated): ESP Exome Variant Server 0.00046; gnomAD 0.00051 and 0.00054; TOPMed 0.00052; gnomAD exomes 0.00006 and 0.00015; ExAC 0.00021; 1000 Genomes Project 0.00040.
gnomAD v4.1: 164 of 1,613,902 alleles (0.01%); highest among the groups gnomAD compares: African/African-American, 0.21%; no homozygotes.

Submissions (3):

PreventionGenetics, part of Exact Sciences
Classification: Likely benign for MCM3AP-related condition. Last evaluated: 2026-05-28. Review status: criteria provided, single submitter. Criteria: ACMG Guidelines, 2015. Collection method: clinical testing. Allele origin: germline.
Comment: This variant is classified as likely benign based on ACMG/AMP sequence variant interpretation guidelines (Richards et al. 2015 PMID: 25741868, with internal and published modifications).

Labcorp Genetics (formerly Invitae), Labcorp
Classification: Likely benign. Last evaluated: 2025-12-31. Review status: criteria provided, single submitter. Criteria: Invitae Variant Classification Sherloc (09022015). Collection method: clinical testing. Allele origin: germline.

CeGaT Center for Human Genetics Tuebingen
Classification: Likely benign. Last evaluated: 2022-04-01. Review status: criteria provided, single submitter. Criteria: CeGaT Center For Human Genetics Tuebingen Variant Classification Criteria Version 2. Collection method: clinical testing. Allele origin: germline. Affected: yes. Observed: 1 variant allele.
Comment: MCM3AP: BP4